The following is an entry in ClinVar:

NM_006739.4(MCM5):c.2202del (p.Lys734fs)

Gene: MCM5 (minichromosome maintenance complex component 5; plus strand). Cytogenetic location: 22q12.3.
Variant type: Deletion.
Coding change: c.2202del on transcript NM_006739.4 (MANE Select); coding-DNA position 2202, one base deleted (G; older notation c.2202delG).
Protein change: p.Lys734fs; shifts the reading frame from lysine 734.
Molecular consequence: frameshift variant.
Genome position (GRCh38, 1-based): chr22:35,424,252, G deleted. VCF-style (leftmost placement, unchanged base first): chr22-35424251-AG-A. GRCh37 (hg19) VCF-style: chr22-35820244-AG-A.
Other names: short protein forms K734fs.
Identifiers: ClinVar variation 1464593 (VCV001464593.6), dbSNP rs2145805047, ClinGen allele CA2573158093.

ClinVar aggregate classification (germline): Uncertain significance (1 of 4 stars; one submission).

Allele frequency attached by ClinVar (database versions not stated): gnomAD exomes below 0.00001.

Submission:

Labcorp Genetics (formerly Invitae), Labcorp
Classification: Uncertain significance. Last evaluated: 2021-10-10. Review status: criteria provided, single submitter. Criteria: Invitae Variant Classification Sherloc (09022015). Collection method: clinical testing. Allele origin: germline.
Comment: In summary, the available evidence is currently insufficient to determine the role of this variant in disease. Therefore, it has been classified as a Variant of Uncertain Significance. This variant has not been reported in the literature in individuals affected with MCM5-related conditions. This variant is not present in population databases (ExAC no frequency). This sequence change results in a frameshift in the MCM5 gene (p.Lys734Asnfs*53). While this is not anticipated to result in nonsense mediated decay, it is expected to disrupt the last 1 amino acid(s) of the MCM5 protein and extend the protein by 51 additional amino acid residues.